The following is an entry in ClinVar:

ClinVar aggregate classification (germline): Uncertain significance. Review status: criteria provided, multiple submitters, no conflicts (2 of 4 stars). 2 submissions from 2 submitters: Uncertain significance (2). Last evaluated 2024-11-28.

Conditions:
Classic or attenuated familial adenomatous polyposis. Identifiers: MedGen CN372698, MONDO:0021057.
Familial adenomatous polyposis 1 (FAP1). Also called: FAMILIAL ADENOMATOUS POLYPOSIS 1, ATTENUATED; POLYPOSIS, ADENOMATOUS INTESTINAL. Identifiers: MedGen C2713442, MONDO:0021056, OMIM 175100. Disease mechanism: loss of function.

Submissions (2):

Department of Pathology and Laboratory Medicine, Sinai Health System
Classification: Uncertain significance for classic or attenuated familial adenomatous polyposis. Last evaluated: 2024-11-28. Review status: criteria provided, single submitter. Criteria: ACMG Guidelines, 2015. Collection method: clinical testing. Allele origin: germline.

Labcorp Genetics (formerly Invitae), Labcorp
Classification: Uncertain significance for Familial adenomatous polyposis 1. Last evaluated: 2023-05-22. Review status: criteria provided, single submitter. Criteria: Invitae Variant Classification Sherloc (09022015). Collection method: clinical testing. Allele origin: germline.
Comment: In summary, the available evidence is currently insufficient to determine the role of this variant in disease. Therefore, it has been classified as a Variant of Uncertain Significance. Advanced modeling of protein sequence and biophysical properties (such as structural, functional, and spatial information, amino acid conservation, physicochemical variation, residue mobility, and thermodynamic stability) performed at Invitae indicates that this missense variant is not expected to disrupt APC protein function. This sequence change replaces glutamine, which is neutral and polar, with glutamic acid, which is acidic and polar, at codon 1256 of the APC protein (p.Gln1256Glu). This variant is not present in population databases (gnomAD no frequency). This variant has not been reported in the literature in individuals affected with APC-related conditions.

NM_000038.6(APC):c.3766C>G (p.Gln1256Glu)

Gene: APC (APC regulator of Wnt signaling pathway; plus strand). Cytogenetic location: 5q22.2.
Variant type: single nucleotide variant.
Coding change: c.3766C>G on transcript NM_000038.6 (MANE Select); coding-DNA position 3766, C replaced by G.
Protein change: p.Gln1256Glu; replaces glutamine 1256 with glutamic acid.
Molecular consequence: missense variant. On other transcripts: non-coding transcript variant (2).
Genome position (GRCh38, 1-based): chr5:112,839,360, C>G. VCF-style: chr5-112839360-C-G. GRCh37 (hg19) VCF-style: chr5-112175057-C-G.
Other names: c.3766C>G, p.Gln1256Glu (NM_001127510.3, NM_001354895.2, NM_001407450.1); c.3712C>G, p.Gln1238Glu (NM_001127511.3); c.3820C>G, p.Gln1274Glu (NM_001354896.2, NM_001407447.1, NM_001407448.1 and 1 more transcripts); c.3796C>G, p.Gln1266Glu (NM_001354897.2); c.3691C>G, p.Gln1231Glu (NM_001354898.2); c.3682C>G, p.Gln1228Glu (NM_001354899.2); c.3643C>G, p.Gln1215Glu (NM_001354900.2); c.3589C>G, p.Gln1197Glu (NM_001354901.2, NM_001407453.1); and 11 more; short protein forms Q1096E, Q1127E, Q1130E, Q1155E, Q1173E, Q1215E, Q1231E, Q1256E.
Identifiers: ClinVar variation 2866768 (VCV002866768.4), dbSNP rs77056664, ClinGen allele CA16029591.